The following is an entry in ClinVar:

NM_001941.5(DSC3):c.155-1=

Gene: DSC3 (desmocollin 3; minus strand). Cytogenetic location: 18q12.1.
Variant type: single nucleotide variant.
Coding change: c.155-1= on transcript NM_001941.5 (MANE Select); the canonical splice acceptor site of the intron before coding-DNA position 155, no change from the reference sequence.
Molecular consequence: splice acceptor variant.
Genome position: GRCh38 VCF-style: chr18-31031173-C-C. GRCh37 (hg19) VCF-style: chr18-28611139-A-C.
Other names: c.155-1= (NM_024423.4).
Identifiers: ClinVar variation 402800 (VCV000402800.6), dbSNP rs276936.

ClinVar aggregate classification (germline): Benign. Review status: criteria provided, multiple submitters, no conflicts (2 of 4 stars). 3 submissions from 3 submitters: Benign (3). Last evaluated 2021-06-09.

Allele frequency attached by ClinVar (database versions not stated): gnomAD exomes 0.99980; gnomAD 0.99994 and 0.99995; TOPMed 0.99995.

Submissions (3):

GeneDx
Classification: Benign. Last evaluated: 2021-06-09. Review status: criteria provided, single submitter. Criteria: GeneDx Variant Classification Process June 2021. Collection method: clinical testing. Allele origin: germline. Affected: yes.

Laboratory for Molecular Medicine, Mass General Brigham Personalized Medicine
Classification: Benign. Last evaluated: 2016-03-29. Review status: criteria provided, single submitter. Criteria: LMM Criteria. Collection method: clinical testing. Allele origin: germline.
Comment: Variant identified in a genome or exome case(s) and assessed due to predicted null impact of the variant or pathogenic assertions in the literature or databases. Disclaimer: This variant has not undergone full assessment. The following are preliminary notes: Frequency in ESP (all): 12999/13000=99.9%

Breakthrough Genomics
Classification: Benign. Review status: criteria provided, single submitter. Criteria: ACMG Guidelines, 2015. Collection method: not provided. Allele origin: germline. Inheritance: Autosomal recessive inheritance. Affected: yes.